The following is an entry in ClinVar:

ClinVar aggregate classification (germline): Uncertain significance (1 of 4 stars; one submission).

Allele frequency attached by ClinVar (database versions not stated): ExAC 0.00003; TOPMed 0.00006; gnomAD 0.00007; 1000 Genomes Project 30x 0.00016; 1000 Genomes Project 0.00020.
gnomAD v4.1: 15 of 1,613,402 alleles (0.00093%); highest among the groups gnomAD compares: African/African-American, 0.02%; no homozygotes.

Submission:

Labcorp Genetics (formerly Invitae), Labcorp
Classification: Uncertain significance. Last evaluated: 2022-01-26. Review status: criteria provided, single submitter. Criteria: Invitae Variant Classification Sherloc (09022015). Collection method: clinical testing. Allele origin: germline.
Comment: In summary, the available evidence is currently insufficient to determine the role of this variant in disease. Therefore, it has been classified as a Variant of Uncertain Significance. Algorithms developed to predict the effect of missense changes on protein structure and function (SIFT, PolyPhen-2, Align-GVGD) all suggest that this variant is likely to be tolerated. This variant has not been reported in the literature in individuals affected with MMP13-related conditions. This variant is present in population databases (rs571888994, gnomAD 0.03%). This sequence change replaces histidine, which is basic and polar, with tyrosine, which is neutral and polar, at codon 251 of the MMP13 protein (p.His251Tyr).

NM_002427.4(MMP13):c.751C>T (p.His251Tyr)

Gene: MMP13 (matrix metallopeptidase 13; minus strand). Cytogenetic location: 11q22.2.
Variant type: single nucleotide variant.
Coding change: c.751C>T on transcript NM_002427.4 (MANE Select); coding-DNA position 751, C replaced by T.
Protein change: p.His251Tyr; replaces histidine 251 with tyrosine.
Molecular consequence: missense variant.
Genome position (GRCh38, 1-based): chr11:102,952,060, G>A on the plus strand (C>T on the coding strand, the complement: MMP13 is on the minus strand). VCF-style: chr11-102952060-G-A. GRCh37 (hg19) VCF-style: chr11-102822789-G-A.
Other names: short protein forms H251Y.
Identifiers: ClinVar variation 2138895 (VCV002138895.4), dbSNP rs571888994, ClinGen allele CA6251907.